The following is an entry in ClinVar:

ClinVar aggregate classification (germline): Likely benign (0 of 4 stars; one submission).

Conditions:
MGAM-related disorder. Also called: MGAM-related condition.

Allele frequency attached by ClinVar (database versions not stated): 1000 Genomes Project 30x 0.00016.
gnomAD v4.1: 367 of 1,613,756 alleles (0.023%); highest among the groups gnomAD compares: East Asian, 0.59%; 3 homozygotes.

Submissions (3):

PreventionGenetics, part of Exact Sciences
Classification: Likely benign for MGAM-related condition. Last evaluated: 2021-12-16. Review status: no assertion criteria provided. Collection method: clinical testing. Allele origin: germline.
Comment: This variant is classified as likely benign based on ACMG/AMP sequence variant interpretation guidelines (Richards et al. 2015 PMID: 25741868, with internal and published modifications).

Dr. Peter K. Rogan Lab, Western University
No classification provided (evidence only). Condition: Cervical cancer. Review status: no classification provided. Collection method: in vitro. Allele origin: not applicable. Functional consequence: retained intron. Not counted in ClinVar's aggregate classification.

Dr. Peter K. Rogan Lab, Western University
No classification provided (evidence only). Condition: Hepatocellular carcinoma. Review status: no classification provided. Collection method: in vitro. Allele origin: not applicable. Functional consequence: retained intron. Not counted in ClinVar's aggregate classification.

NM_001365693.1(MGAM):c.2742A>G (p.Thr914=)

Gene: MGAM (maltase-glucoamylase; plus strand). Cytogenetic location: 7q34.
Variant type: single nucleotide variant.
Coding change: c.2742A>G on transcript NM_001365693.1 (MANE Select); coding-DNA position 2742, A replaced by G.
Protein change: p.Thr914=; no amino-acid change (threonine 914 retained).
Molecular consequence: synonymous variant.
Genome position (GRCh38, 1-based): chr7:142,050,801, A>G. VCF-style: chr7-142050801-A-G. GRCh37 (hg19) VCF-style: chr7-141750601-A-G.
Other names: NC_000007.13:g.141750601A>G; c.2742A>G, p.Thr914= (NM_004668.3).
Identifiers: ClinVar variation 3055165 (VCV003055165.3), dbSNP rs115785937, ClinGen allele CA168115181.